The following is an entry in ClinVar:

NM_004364.5(CEBPA):c.100C>T (p.Pro34Ser)

Gene: CEBPA (CCAAT enhancer binding protein alpha; minus strand). Cytogenetic location: 19q13.11.
Variant type: single nucleotide variant.
Coding change: c.100C>T on transcript NM_004364.5 (MANE Select); coding-DNA position 100, C replaced by T.
Protein change: p.Pro34Ser; replaces proline 34 with serine.
Molecular consequence: missense variant. On other transcripts: 5 prime UTR variant (1).
Genome position (GRCh38, 1-based): chr19:33,302,315, G>A on the plus strand (C>T on the coding strand, the complement: CEBPA is on the minus strand). VCF-style: chr19-33302315-G-A. GRCh37 (hg19) VCF-style: chr19-33793221-G-A.
Other names: c.-258C>T (NM_001285829.2); c.205C>T, p.Pro69Ser (NM_001287424.2); c.58C>T, p.Pro20Ser (NM_001287435.2); short protein forms P34S, P20S, P69S.
Identifiers: ClinVar variation 526810 (VCV000526810.12), dbSNP rs996435066, ClinGen allele CA405275673.
Genomic context (GRCh38, chr19:33,302,315, plus strand): 5'-CGCCCAGCGGCTCCGGGGCGGCAGGTGGGGCGGGAGGCTGCGCGGGGCCCGCGCCCCGGG[G>A]AAAGCCGAAGGCGGCGCTGCTGGGCGCGTGCGGGGGGCTCTGCAGGTGGCTGCTCATCGG-3'
Protein context (NP_004355.2, residues 24-44): HAPSSAAFGF[Pro34Ser]RGAGPAQPPA

ClinVar aggregate classification (germline): Conflicting classifications of pathogenicity. Review status: criteria provided, conflicting classifications (1 of 4 stars). 3 submissions from 3 submitters: Uncertain significance (2); Likely benign (1). Last evaluated 2025-01-19.

Conditions:
Inborn genetic diseases. Identifiers: MedGen C0950123, MeSH D030342.
Acute myeloid leukemia (AML). Also called: Leukemia, acute myeloid, somatic; Leukemia, acute myelogenous, somatic; Acute myeloid leukemia, adult; AML adult; Acute non-lymphocytic leukemia; Acute granulocytic leukemia. Identifiers: Orphanet 519, MedGen C0023467, MeSH D015470, MONDO:0018874, OMIM 601626, HP:0004808. Disease mechanism: Constitutively activated FLT3.

Allele frequency attached by ClinVar (database versions not stated): TOPMed 0.00001.
gnomAD v4.1: 6 of 1,428,720 alleles (0.00042%); highest among the groups gnomAD compares: African/African-American, 0.006%; no homozygotes.

Submissions (3):

Ambry Genetics
Classification: Likely benign for Inborn genetic diseases. Last evaluated: 2025-01-19. Review status: criteria provided, single submitter. Criteria: Ambry Variant Classification Scheme 2023. Collection method: clinical testing. Allele origin: germline.

Labcorp Genetics (formerly Invitae), Labcorp
Classification: Uncertain significance for Acute myeloid leukemia. Last evaluated: 2024-03-06. Review status: criteria provided, single submitter. Criteria: Invitae Variant Classification Sherloc (09022015). Collection method: clinical testing. Allele origin: germline.
Comment: This sequence change replaces proline, which is neutral and non-polar, with serine, which is neutral and polar, at codon 34 of the CEBPA protein (p.Pro34Ser). This variant is not present in population databases (gnomAD no frequency). This variant has not been reported in the literature in individuals affected with CEBPA-related conditions. ClinVar contains an entry for this variant (Variation ID: 526810). Algorithms developed to predict the effect of missense changes on protein structure and function output the following: SIFT: "Not Available"; PolyPhen-2: "Benign"; Align-GVGD: "Not Available". The serine amino acid residue is found in multiple mammalian species, which suggests that this missense change does not adversely affect protein function. In summary, the available evidence is currently insufficient to determine the role of this variant in disease. Therefore, it has been classified as a Variant of Uncertain Significance.

GeneDx
Classification: Uncertain significance. Last evaluated: 2022-04-25. Review status: criteria provided, single submitter. Criteria: GeneDx Variant Classification Process June 2021. Collection method: clinical testing. Allele origin: germline. Affected: yes.
Comment: Not observed at significant frequency in large population cohorts (gnomAD); In silico analysis supports that this missense variant does not alter protein structure/function; Has not been previously published as pathogenic or benign to our knowledge